The following is an entry in ClinVar:

NM_006892.4(DNMT3B):c.1490G>A (p.Arg497Gln)

Gene: DNMT3B (DNA methyltransferase 3 beta; plus strand). Cytogenetic location: 20q11.21.
Variant type: single nucleotide variant.
Coding change: c.1490G>A on transcript NM_006892.4 (MANE Select); coding-DNA position 1490, G replaced by A.
Protein change: p.Arg497Gln; replaces arginine 497 with glutamine.
Molecular consequence: missense variant.
Genome position (GRCh38, 1-based): chr20:32,797,299, G>A. VCF-style: chr20-32797299-G-A. GRCh37 (hg19) VCF-style: chr20-31385105-G-A.
Other names: c.1304G>A, p.Arg435Gln (NM_001207055.2); c.1202G>A, p.Arg401Gln (NM_001207056.2); c.1430G>A, p.Arg477Gln (NM_175848.2, NM_175849.2); c.1466G>A, p.Arg489Gln (NM_175850.3); short protein forms R477Q, R401Q, R435Q, R489Q, R497Q.
Identifiers: ClinVar variation 1905887 (VCV001905887.3), dbSNP rs777301633, ClinGen allele CA9810601.
Genomic context (GRCh38, chr20:32,797,299, plus strand): 5'-ACTGCACTGTGTGCTGCGAGGGCCGAGAGCTGCTGCTTTGCAGCAACACGAGCTGCTGCC[G>A]GTGAGCACTGGGCCCTGTGGGGTGGATGTGGGTGGGCCCCCAAGGCTCCTACGTTCCTGC-3'
Protein context (NP_008823.1, residues 487-507): LLLCSNTSCC[Arg497Gln]CFCVECLEVL

ClinVar aggregate classification (germline): Uncertain significance. Review status: criteria provided, multiple submitters, no conflicts (2 of 4 stars). 2 submissions from 2 submitters: Uncertain significance (2). Last evaluated 2022-05-31.

Conditions:
Centromeric instability of chromosomes 1,9 and 16 and immunodeficiency (ICF1). Also called: Immunodeficiency-centromeric instability-facial anomalies; IMMUNE DEFICIENCY, VARIABLE, WITH CENTROMERIC INSTABILITY OF CHROMOSOMES 1, 9, AND 16; IMMUNODEFICIENCY SYNDROME, VARIABLE; CENTROMERIC INSTABILITY, IMMUNODEFICIENCY SYNDROME. Identifiers: Orphanet 2268, MedGen C0398788, MONDO:0000133.

Allele frequency attached by ClinVar (database versions not stated): TOPMed below 0.00001; ExAC 0.00001.
gnomAD v4.1: 10 of 1,613,968 alleles (0.00062%); highest among the groups gnomAD compares: Admixed American, 0.0033%; no homozygotes.

Submissions (2):

Labcorp Genetics (formerly Invitae), Labcorp
Classification: Uncertain significance for Centromeric instability of chromosomes 1,9 and 16 and immunodeficiency. Last evaluated: 2022-05-31. Review status: criteria provided, single submitter. Criteria: Invitae Variant Classification Sherloc (09022015). Collection method: clinical testing. Allele origin: germline.
Comment: This sequence change replaces arginine, which is basic and polar, with glutamine, which is neutral and polar, at codon 497 of the DNMT3B protein (p.Arg497Gln). This variant also falls at the last nucleotide of exon 14, which is part of the consensus splice site for this exon. The frequency data for this variant in the population databases is considered unreliable, as metrics indicate poor data quality at this position in the gnomAD database. This variant has not been reported in the literature in individuals affected with DNMT3B-related conditions. Algorithms developed to predict the effect of missense changes on protein structure and function (SIFT, PolyPhen-2, Align-GVGD) all suggest that this variant is likely to be disruptive. Variants that disrupt the consensus splice site are a relatively common cause of aberrant splicing (PMID: 17576681, 9536098). In summary, the available evidence is currently insufficient to determine the role of this variant in disease. Therefore, it has been classified as a Variant of Uncertain Significance.

Blueprint Genetics
Classification: Uncertain significance. Last evaluated: 2020-10-20. Review status: criteria provided, single submitter. Criteria: ACMG Guidelines, 2015. Collection method: clinical testing. Allele origin: germline.

Literature cited by the submitters: PubMed 17576681 (cited by Labcorp Genetics (formerly Invitae), Labcorp); PubMed 9536098 (cited by Labcorp Genetics (formerly Invitae), Labcorp).